The following is an entry in ClinVar:

NM_025099.6(CTC1):c.2510G>A (p.Cys837Tyr)

Gene: CTC1 (CST telomere replication complex component 1; minus strand). Cytogenetic location: 17p13.1.
Variant type: single nucleotide variant.
Coding change: c.2510G>A on transcript NM_025099.6 (MANE Select); coding-DNA position 2510, G replaced by A.
Protein change: p.Cys837Tyr; replaces cysteine 837 with tyrosine.
Molecular consequence: missense variant. On other transcripts: non-coding transcript variant (1).
Genome position (GRCh38, 1-based): chr17:8,231,435, C>T on the plus strand (G>A on the coding strand, the complement: CTC1 is on the minus strand). VCF-style: chr17-8231435-C-T. GRCh37 (hg19) VCF-style: chr17-8134753-C-T.
Other names: short protein forms C837Y.
Identifiers: ClinVar variation 1059763 (VCV001059763.9), dbSNP rs377390001, ClinGen allele CA397976205.
Genomic context (GRCh38, chr17:8,231,435, plus strand): 5'-TTGTCCTGGACAGTGAGGCAGGATGCACAGCCAGCCAACTCCAGAGGACGCCGAGATATG[C>T]AGGATGAACCATCCTTTTCAAACAACATTGGTGTCTGCACGGAAATGGGAAGACGACTGC-3'
Protein context (NP_079375.3, residues 827-847): PMLFEKDGSS[Cys837Tyr]ISRRPLELAG

ClinVar aggregate classification (germline): Uncertain significance (1 of 4 stars; one submission).

Conditions:
Dyskeratosis congenita. Identifiers: Orphanet 1775, MedGen C0265965, MONDO:0015780.

Submission:

Labcorp Genetics (formerly Invitae), Labcorp
Classification: Uncertain significance for Dyskeratosis congenita. Last evaluated: 2020-03-09. Review status: criteria provided, single submitter. Criteria: Invitae Variant Classification Sherloc (09022015). Collection method: clinical testing. Allele origin: germline.
Comment: Algorithms developed to predict the effect of missense changes on protein structure and function output the following: SIFT: "Tolerated"; PolyPhen-2: "Benign"; Align-GVGD: "Class C0". The tyrosine amino acid residue is found in multiple mammalian species, suggesting that this missense change does not adversely affect protein function. These predictions have not been confirmed by published functional studies and their clinical significance is uncertain. In summary, the available evidence is currently insufficient to determine the role of this variant in disease. Therefore, it has been classified as a Variant of Uncertain Significance. This variant has not been reported in the literature in individuals with CTC1-related conditions. This sequence change replaces cysteine with tyrosine at codon 837 of the CTC1 protein (p.Cys837Tyr). The cysteine residue is moderately conserved and there is a large physicochemical difference between cysteine and tyrosine. This variant is not present in population databases (ExAC no frequency).